The following is an entry in ClinVar:

ClinVar aggregate classification (germline): Uncertain significance (1 of 4 stars; one submission).

Submission:

Labcorp Genetics (formerly Invitae), Labcorp
Classification: Uncertain significance. Last evaluated: 2023-07-17. Review status: criteria provided, single submitter. Criteria: Invitae Variant Classification Sherloc (09022015). Collection method: clinical testing. Allele origin: germline.
Comment: In summary, the available evidence is currently insufficient to determine the role of this variant in disease. Therefore, it has been classified as a Variant of Uncertain Significance. Advanced modeling of protein sequence and biophysical properties (such as structural, functional, and spatial information, amino acid conservation, physicochemical variation, residue mobility, and thermodynamic stability) performed at Invitae indicates that this missense variant is not expected to disrupt CACNA1E protein function. This variant has not been reported in the literature in individuals affected with CACNA1E-related conditions. This variant is not present in population databases (gnomAD no frequency). This sequence change replaces lysine, which is basic and polar, with glutamic acid, which is acidic and polar, at codon 2269 of the CACNA1E protein (p.Lys2269Glu).

NM_001205293.3(CACNA1E):c.6934A>G (p.Lys2312Glu)

Gene: CACNA1E (calcium voltage-gated channel subunit alpha1 E; plus strand). Cytogenetic location: 1q25.3.
Variant type: single nucleotide variant.
Coding change: c.6934A>G on transcript NM_001205293.3 (MANE Select); coding-DNA position 6934, A replaced by G.
Protein change: p.Lys2312Glu; replaces lysine 2312 with glutamic acid.
Molecular consequence: missense variant.
Genome position (GRCh38, 1-based): chr1:181,798,826, A>G. VCF-style: chr1-181798826-A-G. GRCh37 (hg19) VCF-style: chr1-181767962-A-G.
Other names: c.6805A>G, p.Lys2269Glu (NM_000721.4); c.6748A>G, p.Lys2250Glu (NM_001205294.2); short protein forms K2312E, K2250E, K2269E.
Identifiers: ClinVar variation 2744550 (VCV002744550.3), dbSNP rs2525537294, ClinGen allele CA343846067.